The following is an entry in ClinVar:

ClinVar aggregate classification (germline): Likely benign. Review status: criteria provided, multiple submitters, no conflicts (2 of 4 stars). 6 submissions from 6 submitters: Likely benign (4). 2 of the submissions do not count toward it. Last evaluated 2026-08-01.

Conditions:
Methylmalonic acidemia with homocystinuria, type cblX (MAHCX). Also called: INTELLECTUAL DEVELOPMENTAL DISORDER, X-LINKED 3. Identifiers: Orphanet 369962, MedGen C0796208, MONDO:0010657, OMIM 309541.

Allele frequency attached by ClinVar (database versions not stated): TOPMed 0.00012; gnomAD 0.00015 and 0.00019; ExAC 0.00019; gnomAD exomes 0.00020 and 0.00028; 1000 Genomes Project 0.00026; 1000 Genomes Project 30x 0.00083.
gnomAD v4.1: 251 of 1,206,604 alleles (0.021%); highest among the groups gnomAD compares: Admixed American, 0.066%; no homozygotes.

Submissions (6):

CeGaT Center for Human Genetics Tuebingen
Classification: Likely benign. Last evaluated: 2026-08-01. Review status: criteria provided, single submitter. Criteria: CeGaT Center For Human Genetics Tuebingen Variant Classification Criteria Version 2. Collection method: clinical testing. Allele origin: germline. Affected: yes. Observed: 3 variant alleles.
Comment: HCFC1: BP4, BP7, BS2

Labcorp Genetics (formerly Invitae), Labcorp
Classification: Likely benign for Methylmalonic acidemia with homocystinuria, type cblX. Last evaluated: 2026-01-19. Review status: criteria provided, single submitter. Criteria: Invitae Variant Classification Sherloc (09022015). Collection method: clinical testing. Allele origin: germline.

Genetic Services Laboratory, University of Chicago
Classification: Likely benign. Last evaluated: 2015-12-17. Review status: criteria provided, single submitter. Criteria: ACMG Guidelines, 2015. Collection method: clinical testing. Allele origin: germline. Affected: no.

Breakthrough Genomics
Classification: Likely benign. Review status: criteria provided, single submitter. Criteria: ACMG Guidelines, 2015. Collection method: not provided. Allele origin: germline. Inheritance: X-linked inheritance. Affected: yes.

Clinical Genetics DNA and cytogenetics Diagnostics Lab, Erasmus MC, Erasmus Medical Center
Classification: Likely benign. Review status: no assertion criteria provided. Collection method: clinical testing. Allele origin: germline. Affected: yes. Study: VKGL Data-share Consensus. Not counted in ClinVar's aggregate classification.

Genome Diagnostics Laboratory, University Medical Center Utrecht
Classification: Likely benign. Review status: no assertion criteria provided. Collection method: clinical testing. Allele origin: germline. Affected: yes. Study: VKGL Data-share Consensus. Not counted in ClinVar's aggregate classification.

NM_005334.3(HCFC1):c.2289C>T (p.Pro763=)

Gene: HCFC1 (host cell factor C1; minus strand). Cytogenetic location: Xq28.
Variant type: single nucleotide variant.
Coding change: c.2289C>T on transcript NM_005334.3 (MANE Select); coding-DNA position 2289, C replaced by T.
Protein change: p.Pro763=; no amino-acid change (proline 763 retained).
Molecular consequence: synonymous variant.
Genome position (GRCh38, 1-based): chrX:153,957,378, G>A on the plus strand (C>T on the coding strand, the complement: HCFC1 is on the minus strand). VCF-style: chrX-153957378-G-A. GRCh37 (hg19) VCF-style: chrX-153222829-G-A.
Identifiers: ClinVar variation 435400 (VCV000435400.37), dbSNP rs200081632, ClinGen allele CA10557360.